The following is an entry in ClinVar:

ClinVar aggregate classification (germline): Uncertain significance. Review status: criteria provided, multiple submitters, no conflicts (2 of 4 stars). 2 submissions from 2 submitters: Uncertain significance (2). Last evaluated 2023-12-11.

Submissions (2):

Labcorp Genetics (formerly Invitae), Labcorp
Classification: Uncertain significance. Last evaluated: 2023-12-11. Review status: criteria provided, single submitter. Criteria: Invitae Variant Classification Sherloc (09022015). Collection method: clinical testing. Allele origin: germline.
Comment: This sequence change replaces threonine, which is neutral and polar, with methionine, which is neutral and non-polar, at codon 49 of the CDCA7 protein (p.Thr49Met). This variant is not present in population databases (gnomAD no frequency). This variant has not been reported in the literature in individuals affected with CDCA7-related conditions. ClinVar contains an entry for this variant (Variation ID: 1519406). An algorithm developed to predict the effect of missense changes on protein structure and function (PolyPhen-2) suggests that this variant is likely to be disruptive. In summary, the available evidence is currently insufficient to determine the role of this variant in disease. Therefore, it has been classified as a Variant of Uncertain Significance.

Blueprint Genetics
Classification: Uncertain significance. Last evaluated: 2021-10-26. Review status: criteria provided, single submitter. Criteria: ACMG Guidelines, 2015. Collection method: clinical testing. Allele origin: germline.

NM_031942.5(CDCA7):c.146C>T (p.Thr49Met)

Gene: CDCA7 (cell division cycle associated 7; plus strand). Cytogenetic location: 2q31.1.
Variant type: single nucleotide variant.
Coding change: c.146C>T on transcript NM_031942.5 (MANE Select); coding-DNA position 146, C replaced by T.
Protein change: p.Thr49Met; replaces threonine 49 with methionine.
Molecular consequence: missense variant.
Genome position (GRCh38, 1-based): chr2:173,358,836, C>T. VCF-style: chr2-173358836-C-T. GRCh37 (hg19) VCF-style: chr2-174223564-C-T.
Other names: c.146C>T, p.Thr49Met (NM_145810.3); short protein forms T49M.
Identifiers: ClinVar variation 1519406 (VCV001519406.7), dbSNP rs758866134, ClinGen allele CA60775166.